The following is an entry in ClinVar:

ClinVar aggregate classification (germline): Uncertain significance. Review status: criteria provided, single submitter (1 of 4 stars). 2 submissions from 2 submitters: Uncertain significance (1). 1 of the submissions does not count toward it. Last evaluated 2022-04-16.

Conditions:
AMACR-related disorder. Also called: AMACR-Related Disorders; AMACR-related condition.
Alpha-methylacyl-CoA racemase deficiency (AMACRD). Also called: AMACR deficiency. Identifiers: Orphanet 79095, MedGen C3280428, MONDO:0013681, OMIM 614307. Disease mechanism: loss of function.

Allele frequency attached by ClinVar (database versions not stated): gnomAD 0.00001 and 0.00003; ExAC 0.00003; TOPMed 0.00003; 1000 Genomes Project 0.00020; 1000 Genomes Project 30x 0.00031.
gnomAD v4.1: 16 of 1,614,138 alleles (0.00099%); highest among the groups gnomAD compares: Admixed American, 0.013%; no homozygotes.

Submissions (2):

Labcorp Genetics (formerly Invitae), Labcorp
Classification: Uncertain significance for Alpha-methylacyl-CoA racemase deficiency. Last evaluated: 2022-04-16. Review status: criteria provided, single submitter. Criteria: Invitae Variant Classification Sherloc (09022015). Collection method: clinical testing. Allele origin: germline.
Comment: This sequence change replaces arginine, which is basic and polar, with tryptophan, which is neutral and slightly polar, at codon 312 of the AMACR protein (p.Arg312Trp). This variant is present in population databases (rs201507169, gnomAD 0.02%). This variant has not been reported in the literature in individuals affected with AMACR-related conditions. Algorithms developed to predict the effect of missense changes on protein structure and function (SIFT, PolyPhen-2, Align-GVGD) all suggest that this variant is likely to be disruptive. In summary, the available evidence is currently insufficient to determine the role of this variant in disease. Therefore, it has been classified as a Variant of Uncertain Significance.

PreventionGenetics, part of Exact Sciences
Classification: Uncertain significance for AMACR-related condition. Last evaluated: 2024-09-25. Review status: no assertion criteria provided. Collection method: clinical testing. Allele origin: germline. Not counted in ClinVar's aggregate classification.
Comment: The AMACR c.934C>T variant is predicted to result in the amino acid substitution p.Arg312Trp. To our knowledge, this variant has not been reported in the literature. This variant is reported in 0.020% of alleles in individuals of Latino descent in gnomAD. At this time, the clinical significance of this variant is uncertain due to the absence of conclusive functional and genetic evidence.

NM_014324.6(AMACR):c.934C>T (p.Arg312Trp)

Genes: AMACR (alpha-methylacyl-CoA racemase; minus strand), C1QTNF3-AMACR (C1QTNF3-AMACR readthrough (NMD candidate); minus strand). Cytogenetic location: 5p13.2.
Variant type: single nucleotide variant.
Coding change: c.934C>T on transcript NM_014324.6 (MANE Select); coding-DNA position 934, C replaced by T.
Protein change: p.Arg312Trp; replaces arginine 312 with tryptophan.
Molecular consequence: missense variant. On other transcripts: non-coding transcript variant (1), 3 prime UTR variant (1).
Genome position (GRCh38, 1-based): chr5:33,989,308, G>A on the plus strand (C>T on the coding strand, the complement: AMACR is on the minus strand). VCF-style: chr5-33989308-G-A. GRCh37 (hg19) VCF-style: chr5-33989413-G-A.
Other names: c.934C>T (NM_014324.5); c.934C>T, p.Arg312Trp (NM_001167595.2); c.*176C>T (NM_203382.3); short protein forms R312W.
Identifiers: ClinVar variation 1394744 (VCV001394744.6), dbSNP rs201507169, ClinGen allele CA3225997.